The following is an entry in ClinVar:

NM_000297.4(PKD2):c.484C>T (p.Pro162Ser)

Genes: PKD2 (polycystin 2, transient receptor potential cation channel; plus strand), LOC129992813 (ATAC-STARR-seq lymphoblastoid silent region 15559; plus strand). Cytogenetic location: 4q22.1.
Variant type: single nucleotide variant.
Coding change: c.484C>T on transcript NM_000297.4 (MANE Select); coding-DNA position 484, C replaced by T.
Protein change: p.Pro162Ser; replaces proline 162 with serine.
Molecular consequence: missense variant. On other transcripts: non-coding transcript variant (1).
Genome position (GRCh38, 1-based): chr4:88,008,217, C>T. VCF-style: chr4-88008217-C-T. GRCh37 (hg19) VCF-style: chr4-88929369-C-T.
Other names: c.484C>T (NM_000297.3); short protein forms P162S.
Identifiers: ClinVar variation 2082731 (VCV002082731.5), dbSNP rs755280589, ClinGen allele CA100873269.

ClinVar aggregate classification (germline): Uncertain significance. Review status: criteria provided, multiple submitters, no conflicts (2 of 4 stars). 2 submissions from 2 submitters: Uncertain significance (2). Last evaluated 2025-02-11.

Conditions:
Inborn genetic diseases. Identifiers: MedGen C0950123, MeSH D030342.
Autosomal dominant polycystic kidney disease. Identifiers: Orphanet 730, MedGen C0085413, MONDO:0004691.

Allele frequency attached by ClinVar (database versions not stated): gnomAD 0.00002; gnomAD exomes 0.00003; TOPMed 0.00003.
gnomAD v4.1: 41 of 1,400,832 alleles (0.0029%); highest among the groups gnomAD compares: Non-Finnish European, 0.0037%; no homozygotes.

Submissions (2):

Labcorp Genetics (formerly Invitae), Labcorp
Classification: Uncertain significance for Autosomal dominant polycystic kidney disease. Last evaluated: 2025-02-11. Review status: criteria provided, single submitter. Criteria: Invitae Variant Classification Sherloc (09022015). Collection method: clinical testing. Allele origin: germline.
Comment: This sequence change replaces proline, which is neutral and non-polar, with serine, which is neutral and polar, at codon 162 of the PKD2 protein (p.Pro162Ser). This variant is not present in population databases (gnomAD no frequency). This variant has not been reported in the literature in individuals affected with PKD2-related conditions. ClinVar contains an entry for this variant (Variation ID: 2082731). An algorithm developed to predict the effect of missense changes on protein structure and function (PolyPhen-2) suggests that this variant is likely to be tolerated. In summary, the available evidence is currently insufficient to determine the role of this variant in disease. Therefore, it has been classified as a Variant of Uncertain Significance.

Ambry Genetics
Classification: Uncertain significance for Inborn genetic diseases. Last evaluated: 2025-02-10. Review status: criteria provided, single submitter. Criteria: Ambry Variant Classification Scheme 2023. Collection method: clinical testing. Allele origin: germline.